The following is an entry in ClinVar:

NC_000020.10:g.(?_61977556)_(62129136_?)del

Genes: CHRNA4 (cholinergic receptor nicotinic alpha 4 subunit; minus strand), EEF1A2 (eukaryotic translation elongation factor 1 alpha 2; minus strand), KCNQ2 (potassium voltage-gated channel subfamily Q member 2; minus strand). Cytogenetic location: 20q13.33.
Variant type: Deletion.
Identifiers: ClinVar variation 831044 (VCV000831044.2).

ClinVar aggregate classification (germline): Pathogenic (1 of 4 stars; one submission).

Conditions:
Developmental and epileptic encephalopathy. Identifiers: MedGen C5779964, MONDO:0100620.

Submission:

Labcorp Genetics (formerly Invitae), Labcorp
Classification: Pathogenic for Early infantile epileptic encephalopathy with suppression bursts. Last evaluated: 2019-10-31. Review status: criteria provided, single submitter. Criteria: Invitae Variant Classification Sherloc (09022015). Collection method: clinical testing. Allele origin: germline.
Comment: A gross deletion of the genomic region encompassing the full coding sequence of the KCNQ2 gene has been identified. The boundaries of this event are unknown as the deletion extends beyond the assayed region for this gene and therefore may encompass additional genes. Isolated whole-gene deletions of KCNQ2 have not been reported in the literature. However, larger copy number events that include this gene have been reported in individuals affected with epilepsy and benign neonatal seizures (PMID: 24811917, 23360469, 19822871, 29215089, 25052858). Loss-of-function variants in KCNQ2 are known to be pathogenic (PMID: 14534157, 23692823, 25951140, 25959266, 26758118, 27779742). For these reasons, this variant has been classified as Pathogenic.

Literature cited by the submitters: PubMed 25052858; PubMed 23360469; PubMed 19822871; PubMed 24811917; PubMed 29215089.